The following is an entry in ClinVar:

NM_004415.4(DSP):c.1089G>A (p.Gln363=)

Gene: DSP (desmoplakin; plus strand). Cytogenetic location: 6p24.3.
Variant type: single nucleotide variant.
Coding change: c.1089G>A on transcript NM_004415.4 (MANE Select); coding-DNA position 1089, G replaced by A.
Protein change: p.Gln363=; no amino-acid change (glutamine 363 retained).
Molecular consequence: synonymous variant.
Genome position (GRCh38, 1-based): chr6:7,567,398, G>A. VCF-style: chr6-7567398-G-A. GRCh37 (hg19) VCF-style: chr6-7567631-G-A.
Other names: c.1089G>A, p.Gln363= (NM_001008844.3, NM_001319034.2, NM_001406591.1).
Identifiers: ClinVar variation 3386623 (VCV003386623.1).
Genomic context (GRCh38, chr6:7,567,398, plus strand): 5'-CATTTTCTTGTTTCAGGCCTATATGGACACTCTGCAGACGCAGTGGAGTTGGATTCTTCA[G>A]ATCACCAAGTGCATTGATGTTCATCTGAAAGAAAATGCTGCCTACTTTCAGGTTTTTATA-3'
Protein context (NP_004406.2, residues 353-373): TLQTQWSWIL[Gln363=]ITKCIDVHLK

ClinVar aggregate classification (germline): Likely benign (1 of 4 stars; one submission).

Conditions:
Arrhythmogenic cardiomyopathy with wooly hair and keratoderma. Also called: Carvajal syndrome; PALMOPLANTAR KERATODERMA WITH LEFT VENTRICULAR CARDIOMYOPATHY AND WOOLLY HAIR; Dilated cardiomyopathy with woolly hair and keratoderma; Arrhythmogenic cardiomyopathy with woolly hair and keratoderma. Identifiers: Orphanet 65282, MedGen C1854063, MONDO:0011581, OMIM 605676.

Submission:

All of Us Research Program, National Institutes of Health
Classification: Likely benign for Arrhythmogenic cardiomyopathy with wooly hair and keratoderma. Last evaluated: 2024-06-09. Review status: criteria provided, single submitter. Criteria: ACMG Guidelines, 2015. Collection method: clinical testing. Allele origin: germline. Inheritance: Autosomal dominant inheritance. Observed: 1 variant allele, 1 heterozygote.
Comment: This study involves interpretation of variants in research participants for the purpose of population health screening. Participant phenotype was not available at the time of variant classification. Additional details can be found in publication PMID: 35346344, PMCID: PMC8962531